The following is an entry in ClinVar:

NM_004483.5(GCSH):c.141G>A (p.Leu47=)

Genes: GCSH (glycine cleavage system protein H; minus strand), LOC130059495 (ATAC-STARR-seq lymphoblastoid silent region 7751; plus strand). Cytogenetic location: 16q23.2.
Variant type: single nucleotide variant.
Coding change: c.141G>A on transcript NM_004483.5 (MANE Select); coding-DNA position 141, G replaced by A.
Protein change: p.Leu47=; no amino-acid change (leucine 47 retained).
Molecular consequence: synonymous variant. On other transcripts: non-coding transcript variant (1).
Genome position (GRCh38, 1-based): chr16:81,096,138, C>T on the plus strand (G>A on the coding strand, the complement: GCSH is on the minus strand). VCF-style: chr16-81096138-C-T. GRCh37 (hg19) VCF-style: chr16-81129743-C-T.
Identifiers: ClinVar variation 3032946 (VCV003032946.2), dbSNP rs2507694141, ClinGen allele CA496442400.

ClinVar aggregate classification (germline): Likely benign (0 of 4 stars; one submission).

Conditions:
GCSH-related disorder. Also called: GCSH-related condition.

Allele frequency attached by ClinVar (database versions not stated): gnomAD exomes below 0.00001.
gnomAD v4.1: 4 of 1,267,976 alleles (0.00032%); highest among the groups gnomAD compares: East Asian, 0.0063%; no homozygotes.

Submission:

PreventionGenetics, part of Exact Sciences
Classification: Likely benign for GCSH-related condition. Last evaluated: 2021-08-23. Review status: no assertion criteria provided. Collection method: clinical testing. Allele origin: germline.
Comment: This variant is classified as likely benign based on ACMG/AMP sequence variant interpretation guidelines (Richards et al. 2015 PMID: 25741868, with internal and published modifications).